The following is an entry in ClinVar:

ClinVar aggregate classification (germline): Pathogenic (1 of 4 stars; one submission).

Conditions:
Retinal dystrophy. Also called: Inherited retinal dystrophy. Identifiers: Orphanet 71862, MedGen C0854723, MeSH D058499, MONDO:0019118, HP:0000556.

Submission:

Ophthalmic Genetics Group, Institute of Molecular and Clinical Ophthalmology Basel
Classification: Pathogenic for Retinal dystrophy. Last evaluated: 2024-05-27. Review status: criteria provided, single submitter. Criteria: ACMG Guidelines, 2015. Collection method: research. Allele origin: germline. Affected: yes. Observed: 2 variant alleles.
Comment: This variant was classified as Pathogenic based on ACMG criteria: PVS1_very strong, PM2_mod and PM3_mod

Literature cited by the submitters: PubMed 40180963.

NM_001278293.3(ARL6):c.387_394del (p.Asn130fs)

Gene: ARL6 (ARF like GTPase 6; plus strand). Cytogenetic location: 3q11.2.
Variant type: Deletion.
Coding change: c.387_394del on transcript NM_001278293.3 (MANE Select); coding-DNA positions 387 to 394, 8 bases deleted (AAATAAAA; older notation c.387_394delAAATAAAA).
Protein change: p.Asn130fs; shifts the reading frame from asparagine 130.
Molecular consequence: frameshift variant. On other transcripts: non-coding transcript variant (7).
Genome position (GRCh38, 1-based): chr3:97,788,027-97,788,034, AAATAAAA deleted. VCF-style (leftmost placement, unchanged base first): chr3-97788026-CAAATAAAA-C. GRCh37 (hg19) VCF-style: chr3-97506870-CAAATAAAA-C.
Other names: NC_000003.11:g.97506871_97506878del; NP_001265222.1:p.(Asn130GlyfsTer3); c.387_394del, p.Asn130fs (NM_001323513.2, NM_001323514.2, NM_032146.5 and 1 more transcripts); short protein forms N130fs.
Identifiers: ClinVar variation 3381780 (VCV003381780.2).